The following is an entry in ClinVar:

NM_001366521.1(ATP2B1):c.1398G>A (p.Met466Ile)

Gene: ATP2B1 (ATPase plasma membrane Ca2+ transporting 1; minus strand). Cytogenetic location: 12q21.33.
Variant type: single nucleotide variant.
Coding change: c.1398G>A on transcript NM_001366521.1 (MANE Select); coding-DNA position 1398, G replaced by A.
Protein change: p.Met466Ile; replaces methionine 466 with isoleucine.
Molecular consequence: missense variant. On other transcripts: non-coding transcript variant (3), intron variant (1).
Genome position (GRCh38, 1-based): chr12:89,621,738, C>T on the plus strand (G>A on the coding strand, the complement: ATP2B1 is on the minus strand). VCF-style: chr12-89621738-C-T. GRCh37 (hg19) VCF-style: chr12-90015515-C-T.
Other names: c.1257G>A, p.Met419Ile (NM_001413051.1, NM_001413052.1, NM_001413055.1); c.1200G>A, p.Met400Ile (NM_001413053.1, NM_001366530.1); c.1143G>A, p.Met381Ile (NM_001413056.1); c.945G>A, p.Met315Ile (NM_001413057.1); c.837G>A, p.Met279Ile (NM_001413058.1, NM_001413059.1, NM_001413060.1 and 2 more transcripts); c.1398G>A, p.Met466Ile (NM_001682.3, NM_001413047.1, NM_001413049.1 and 12 more transcripts); c.1359G>A, p.Met453Ile (NM_001413048.1); c.1345-1498G>A (NM_001413054.1); short protein forms M279I, M315I, M381I, M400I, M419I, M453I, M466I.
Identifiers: ClinVar variation 4538636 (VCV004538636.1).
Genomic context (GRCh38, chr12:89,621,738, plus strand): 5'-TGTCATTCTGTTCATTGTCAAAGTTCCTGTTTTATCTGAACAAATAGCTGTAGCATTTCC[C>T]ATGGTTTCACAAGCATCCAGATGCCTTACTAAGTTATTATCTTTCATCATTTTCTACAGT-3'
Protein context (NP_001353450.1, residues 456-476): LVRHLDACET[Met466Ile]GNATAICSDK

ClinVar aggregate classification (germline): Uncertain significance (1 of 4 stars; one submission).

Submission:

GeneDx
Classification: Uncertain significance. Last evaluated: 2025-06-17. Review status: criteria provided, single submitter. Criteria: GeneDx Variant Classification Process June 2021. Collection method: clinical testing. Allele origin: germline. Affected: yes.
Comment: Not observed at significant frequency in large population cohorts (gnomAD); In silico analysis supports that this missense variant has a deleterious effect on protein structure/function; Has not been previously published as pathogenic or benign to our knowledge